The following is an entry in ClinVar:

NM_001009944.3(PKD1):c.12406A>G (p.Arg4136Gly)

Gene: PKD1 (polycystin 1, transient receptor potential channel interacting; minus strand). Cytogenetic location: 16p13.3.
Variant type: single nucleotide variant.
Coding change: c.12406A>G on transcript NM_001009944.3 (MANE Select); coding-DNA position 12406, A replaced by G.
Protein change: p.Arg4136Gly; replaces arginine 4136 with glycine.
Molecular consequence: missense variant.
Genome position (GRCh38, 1-based): chr16:2,090,323, T>C on the plus strand (A>G on the coding strand, the complement: PKD1 is on the minus strand). VCF-style: chr16-2090323-T-C. GRCh37 (hg19) VCF-style: chr16-2140324-T-C.
Other names: c.12403A>G, p.Arg4135Gly (NM_000296.4); short protein forms R4135G, R4136G.
Identifiers: ClinVar variation 4070900 (VCV004070900.1).
Genomic context (GRCh38, chr16:2,090,323, plus strand): 5'-CCCCCCACTGGGCCGTACCCACCTCCTTGACCTTGCTGAGGCCCATCCAGAGGCGCAGCC[T>C]GCGCAGGAACAACTCCACCATCTCGTAGTCCTGGGGCTCCCAGGCCGGCCGGTACAGCTC-3'
Protein context (NP_001009944.3, residues 4126-4146): DYEMVELFLR[Arg4136Gly]LRLWMGLSKV

ClinVar aggregate classification (germline): Likely pathogenic (1 of 4 stars; one submission).

Submission:

GeneDx
Classification: Likely pathogenic. Last evaluated: 2025-01-21. Review status: criteria provided, single submitter. Criteria: GeneDx Variant Classification Process June 2021. Collection method: clinical testing. Allele origin: germline. Affected: yes.
Comment: Not observed at significant frequency in large population cohorts (gnomAD); In silico analysis supports that this missense variant has a deleterious effect on protein structure/function; This variant is associated with the following publications: (PMID: 29931260, 21518865, 10987650, 37962562)